The following is an entry in ClinVar:

NM_174978.3(C14orf39):c.207_210del (p.Ser69fs)

Gene: C14orf39 (chromosome 14 open reading frame 39; minus strand). Cytogenetic location: 14q23.1.
Variant type: Deletion.
Coding change: c.207_210del on transcript NM_174978.3 (MANE Select); coding-DNA positions 207 to 210, 4 bases deleted (TGAG; older notation c.207_210delTGAG).
Protein change: p.Ser69fs; shifts the reading frame from serine 69.
Molecular consequence: frameshift variant.
Genome position (GRCh38, 1-based): chr14:60,483,714-60,483,717, CTCA deleted on the plus strand (TGAG on the coding strand, the reverse complement: C14orf39 is on the minus strand); deleting any 4 consecutive bases within chr14:60,483,714-60,483,719 gives the same sequence; the c. name uses the placement nearest the transcript's 3' end. VCF-style (leftmost placement, unchanged base first): chr14-60483713-CCTCA-C. GRCh37 (hg19) VCF-style: chr14-60950431-CCTCA-C.
Other names: c.207_210delTGAG (NM_174978.3); short protein forms S69fs.
Identifiers: ClinVar variation 3899291 (VCV003899291.1), dbSNP rs748322684.

ClinVar aggregate classification (germline): Likely pathogenic (1 of 4 stars; one submission).

Conditions:
Spermatogenic failure 52. Identifiers: MedGen C5543094, MONDO:0030938, OMIM 619202.
Premature ovarian failure 18. Identifiers: MedGen C5543095, MONDO:0030939, OMIM 619203.

Submission:

First Genomix Gene Laboratory, Genetic Diagnostics Department
Classification: Likely pathogenic for Premature ovarian failure 18; Spermatogenic failure 52. Last evaluated: 2025-01-06. Review status: criteria provided, single submitter. Criteria: ACMG Guidelines, 2015. Collection method: clinical testing. Allele origin: germline. Inheritance: Autosomal recessive inheritance. Affected: no. Observed: 1 variant allele.